The following is an entry in ClinVar:

ClinVar aggregate classification (germline): Pathogenic (1 of 4 stars; one submission).

Submission:

Clinical Genomics Laboratory, Laboratory for Precision Diagnostics, University of Washington
Classification: Pathogenic. Last evaluated: 2023-05-31. Review status: criteria provided, single submitter. Criteria: ACMG/ClinGen CNV Guidelines, 2019. Collection method: clinical testing. Allele origin: unknown. Affected: yes. Observed: 1 variant allele.
Comment: This deletion is the recurrent class 2 microdeletion (BP2-BP3) that causes Prader-Willi syndrome (PWS) or Angelman syndrome (AS), depending on which parental copy of chromosome 15 is deleted.

Literature cited by the submitters: PubMed 10982040; PubMed 24311297.

GRCh38/hg38 15q11.2-13.1(chr15:23422265-28195141)x1

Genes: ATP10A (ATPase phospholipid transporting 10A (putative); minus strand), ATP10A-DT (ATP10A divergent transcript; plus strand), GABRA5 (gamma-aminobutyric acid type A receptor subunit alpha5; plus strand), GABRB3 (gamma-aminobutyric acid type A receptor subunit beta3; minus strand), GABRG3 (gamma-aminobutyric acid type A receptor subunit gamma3; plus strand) and 137 more. Cytogenetic location: 15q11.2-13.1.
Variant type: copy number loss.
Change: copy number 1 (one copy instead of two) of chr15:23,422,265-28,195,141 (4.77 Mb, GRCh38 coordinates, 1-based), cytogenetic band 15q11.2-13.1.
Identifiers: ClinVar variation 4890934 (VCV004890934.1).